The following is an entry in ClinVar:

ClinVar aggregate classification (germline): Likely pathogenic (1 of 4 stars; one submission).

Conditions:
Dilated cardiomyopathy 1G (CMD1G). Identifiers: Orphanet 154, MedGen C1858763, MONDO:0011400, OMIM 604145.
Autosomal recessive limb-girdle muscular dystrophy type 2J (LGMDR10). Also called: Limb-girdle muscular dystrophy, type 2J; MUSCULAR DYSTROPHY, LIMB-GIRDLE, AUTOSOMAL RECESSIVE 10. Identifiers: Orphanet 140922, MedGen C1837342, MONDO:0012127, OMIM 608807.

Submission:

Labcorp Genetics (formerly Invitae), Labcorp
Classification: Likely pathogenic for Dilated cardiomyopathy 1G; Autosomal recessive limb-girdle muscular dystrophy type 2J. Last evaluated: 2025-02-12. Review status: criteria provided, single submitter. Criteria: Invitae Variant Classification Sherloc (09022015). Collection method: clinical testing. Allele origin: germline.
Comment: This sequence change creates a premature translational stop signal (p.Pro15105Glnfs*72) in the TTN gene. While this is not anticipated to result in nonsense mediated decay, it is expected to create a truncated TTN protein. This variant is not present in population databases (gnomAD no frequency). This variant has not been reported in the literature in individuals affected with TTN-related conditions. This variant is located in the I band of TTN (PMID: 25589632). Truncating variants in this region have been reported in individuals affected with autosomal recessive centronuclear myopathy (PMID: 23975875, internal data). Truncating variants in this region have also been identified in individuals affected with autosomal dominant dilated cardiomyopathy and/or cardio-related conditions (PMID: 27869827, 32964742, internal data). In summary, the currently available evidence indicates that the variant is pathogenic, but additional data are needed to prove that conclusively. Therefore, this variant has been classified as Likely Pathogenic.

Literature cited by the submitters: PubMed 25589632; PubMed 23975875; PubMed 27869827; PubMed 32964742.

NM_001267550.2(TTN):c.45314del (p.Pro15105fs)

Genes: TTN (titin; minus strand), LOC126806427 (BRD4-independent group 4 enhancer GRCh37_chr2:179485777-179486976; plus strand). Cytogenetic location: 2q31.2.
Variant type: Deletion.
Coding change: c.45314del on transcript NM_001267550.2 (MANE Select); coding-DNA position 45314, one base deleted (C; older notation c.45314delC).
Protein change: p.Pro15105fs; shifts the reading frame from proline 15105.
Molecular consequence: frameshift variant.
Genome position (GRCh38, 1-based): chr2:178,621,510, G deleted on the plus strand (C on the coding strand, the reverse complement: TTN is on the minus strand); the first of 3 consecutive G bases (chr2:178,621,510-178,621,512); deleting any one gives the same sequence. VCF-style (leftmost placement, unchanged base first): chr2-178621509-TG-T. GRCh37 (hg19) VCF-style: chr2-179486236-TG-T.
Other names: c.40391del, p.Pro13464fs (NM_001256850.1); c.18119del, p.Pro6040fs (NM_003319.4); c.37610del, p.Pro12537fs (NM_133378.4); c.18494del, p.Pro6165fs (NM_133432.3); c.18695del, p.Pro6232fs (NM_133437.4); short protein forms P12537fs, P15105fs, P13464fs, P6232fs, P6040fs, P6165fs.
Identifiers: ClinVar variation 4784138 (VCV004784138.1).